The following is an entry in ClinVar:

ClinVar aggregate classification (germline): Uncertain significance (1 of 4 stars; one submission).

Conditions:
Hereditary cancer-predisposing syndrome. Also called: Neoplastic Syndromes, Hereditary; Hereditary Cancer Syndrome; Tumor predisposition; Hereditary neoplastic syndrome. Identifiers: Orphanet 140162, MedGen C0027672, MeSH D009386, MONDO:0015356.

Submission:

Ambry Genetics
Classification: Uncertain significance for Hereditary cancer-predisposing syndrome. Last evaluated: 2020-03-12. Review status: criteria provided, single submitter. Criteria: Ambry Variant Classification Scheme 2023. Collection method: clinical testing. Allele origin: germline.
Comment: The c.120delC variant, located in coding exon 1&beta; of the CDKN2A gene, results from a deletion of one nucleotide at nucleotide position 120, causing a translational frameshift with a predicted alternate stop codon (p.A41Pfs*7) in the p14 isoform. This alteration is expected to result in premature protein truncation or nonsense-mediated mRNA decay. However, loss of function has not been clearly established as a mechanism of disease for the p14 isoform of CDKN2A. Since supporting evidence is limited at this time, the clinical significance of this alteration remains unclear.

NM_058195.4(CDKN2A):c.120del (p.Ala41fs)

Gene: CDKN2A (cyclin dependent kinase inhibitor 2A; minus strand). Cytogenetic location: 9p21.3.
Variant type: Deletion.
Coding change: c.120del on transcript NM_058195.4 (MANE Plus Clinical); coding-DNA position 120, one base deleted (C; older notation c.120delC).
Protein change: p.Ala41fs; shifts the reading frame from alanine 41.
Molecular consequence: frameshift variant. On other transcripts: intron variant (1).
Genome position (GRCh38, 1-based): chr9:21,994,212, G deleted on the plus strand (C on the coding strand, the reverse complement: CDKN2A is on the minus strand); the first of 3 consecutive G bases (chr9:21,994,212-21,994,214); deleting any one gives the same sequence. VCF-style (leftmost placement, unchanged base first): chr9-21994211-CG-C. GRCh37 (hg19) VCF-style: chr9-21994210-CG-C.
Other names: c.120delC (NM_058195.3); c.-4+609del (NM_001363763.2); short protein forms A41fs.
Identifiers: ClinVar variation 487003 (VCV000487003.7), dbSNP rs1554659198, ClinGen allele CA658656045.
Genomic context (GRCh38, chr9:21,994,211, plus strand): 5'-GAAGCGGCTGCTGCCCTAGACGCTGGCTCCTCAGTAGCATCAGCACGAGGGCCACAGCGG[CG>C]GGCGCCCCTGGCGCTGCCCACTCCCCCGTGAGCCGCGGGATGTGAACCACGAAAACCCTC-3'